The following is an entry in ClinVar:

NM_000260.4(MYO7A):c.795_799dup (p.Lys267fs)

Gene: MYO7A (myosin VIIA; plus strand). Cytogenetic location: 11q13.5.
Variant type: Duplication.
Coding change: c.795_799dup on transcript NM_000260.4 (MANE Select); coding-DNA positions 795 to 799, 5 bases duplicated (TCAGA; older notation c.795_799dupTCAGA).
Protein change: p.Lys267fs; shifts the reading frame from lysine 267.
Molecular consequence: frameshift variant.
Genome position (GRCh38, 1-based): chr11:77,157,338-77,157,342, TCAGA duplicated; duplicating any 5 consecutive bases within chr11:77,157,336-77,157,342 gives the same sequence; the c. name uses the placement nearest the transcript's 3' end. VCF-style (leftmost placement, unchanged base first): chr11-77157335-G-GGATCA. GRCh37 (hg19) VCF-style: chr11-76868381-G-GGATCA.
Other names: c.795_799dup, p.Lys267fs (NM_001127180.2); c.762_766dup, p.Lys256fs (NM_001369365.1); short protein forms K256fs, K267fs.
Identifiers: ClinVar variation 1449329 (VCV001449329.6), dbSNP rs2135244802, ClinGen allele CA2573147720.

ClinVar aggregate classification (germline): Pathogenic (1 of 4 stars; one submission).

Submission:

Labcorp Genetics (formerly Invitae), Labcorp
Classification: Pathogenic. Last evaluated: 2020-12-28. Review status: criteria provided, single submitter. Criteria: Invitae Variant Classification Sherloc (09022015). Collection method: clinical testing. Allele origin: germline.
Comment: This variant is not present in population databases (ExAC no frequency). This sequence change creates a premature translational stop signal (p.Lys267Ilefs*23) in the MYO7A gene. It is expected to result in an absent or disrupted protein product. Loss-of-function variants in MYO7A are known to be pathogenic (PMID: 8900236, 25404053). This variant has not been reported in the literature in individuals with MYO7A-related conditions. For these reasons, this variant has been classified as Pathogenic.

Literature cited by the submitters: PubMed 8900236; PubMed 25404053.